The following is an entry in ClinVar:

NM_003331.5(TYK2):c.2017G>T (p.Val673Leu)

Gene: TYK2 (tyrosine kinase 2; minus strand). Cytogenetic location: 19p13.2.
Variant type: single nucleotide variant.
Coding change: c.2017G>T on transcript NM_003331.5 (MANE Select); coding-DNA position 2017, G replaced by T.
Protein change: p.Val673Leu; replaces valine 673 with leucine.
Molecular consequence: missense variant.
Genome position (GRCh38, 1-based): chr19:10,361,541, C>A on the plus strand (G>T on the coding strand, the complement: TYK2 is on the minus strand). VCF-style: chr19-10361541-C-A. GRCh37 (hg19) VCF-style: chr19-10472217-C-A.
Other names: c.2017G>T (LRG_121t1); short protein forms V673L.
Identifiers: ClinVar variation 327943 (VCV000327943.13), dbSNP rs528691386, ClinGen allele CA9193217.
Genomic context (GRCh38, chr19:10,361,541, plus strand): 5'-AGGGGGATGGGTATGGCGGGACCCACTCACTTTCAGGGCCGCGCACACAGACGCCATGCA[C>A]GAAGGCCAGGTGCGTGTGGGAGACCTGGCTCATGAGGCTGGCTGTCTCGTAGAAGGCCTG-3'
Protein context (NP_003322.3, residues 663-683): SQVSHTHLAF[Val673Leu]HGVCVRGPEN

ClinVar aggregate classification (germline): Conflicting classifications of pathogenicity. Review status: criteria provided, conflicting classifications (1 of 4 stars). 4 submissions from 4 submitters: Uncertain significance (3); Likely benign (1). Last evaluated 2024-10-02.

Conditions:
Immunodeficiency 35 (IMD35). Also called: HIES WITH ATYPICAL MYCOBACTERIOSIS, AUTOSOMAL RECESSIVE; HYPER-IgE SYNDROME WITH ATYPICAL MYCOBACTERIOSIS, AUTOSOMAL RECESSIVE; TYK2 DEFICIENCY; Susceptibility to infection due to TYK2 deficiency. Identifiers: Orphanet 331226, MedGen C1969086, MONDO:0012682, OMIM 611521.

Allele frequency attached by ClinVar (database versions not stated): ExAC 0.00005; gnomAD exomes 0.00007; TOPMed 0.00011; gnomAD 0.00019 and 0.00021.
gnomAD v4.1: 228 of 1,547,262 alleles (0.015%); highest among the groups gnomAD compares: Admixed American, 0.035%; no homozygotes.

Submissions (4):

Blueprint Genetics
Classification: Likely benign. Last evaluated: 2024-10-02. Review status: criteria provided, single submitter. Criteria: ACMG Guidelines, 2015. Collection method: clinical testing. Allele origin: germline.

Labcorp Genetics (formerly Invitae), Labcorp
Classification: Uncertain significance for Immunodeficiency 35. Last evaluated: 2023-11-21. Review status: criteria provided, single submitter. Criteria: Invitae Variant Classification Sherloc (09022015). Collection method: clinical testing. Allele origin: germline.
Comment: This sequence change replaces valine, which is neutral and non-polar, with leucine, which is neutral and non-polar, at codon 673 of the TYK2 protein (p.Val673Leu). This variant is present in population databases (rs528691386, gnomAD 0.01%). This variant has not been reported in the literature in individuals affected with TYK2-related conditions. ClinVar contains an entry for this variant (Variation ID: 327943). Algorithms developed to predict the effect of missense changes on protein structure and function output the following: SIFT: "Not Available"; PolyPhen-2: "Benign"; Align-GVGD: "Not Available". The leucine amino acid residue is found in multiple mammalian species, which suggests that this missense change does not adversely affect protein function. In summary, the available evidence is currently insufficient to determine the role of this variant in disease. Therefore, it has been classified as a Variant of Uncertain Significance.

Illumina Laboratory Services, Illumina
Classification: Uncertain significance for Immunodeficiency 35. Last evaluated: 2018-01-13. Review status: criteria provided, single submitter. Criteria: ICSL Variant Classification Criteria 13 December 2019. Collection method: clinical testing. Allele origin: germline.

Breakthrough Genomics
Classification: Uncertain significance. Review status: criteria provided, single submitter. Criteria: ACMG Guidelines, 2015. Collection method: not provided. Allele origin: germline. Inheritance: Autosomal recessive inheritance. Affected: yes.